The following is an entry in ClinVar:

ClinVar aggregate classification (germline): Uncertain significance (1 of 4 stars; one submission).

Conditions:
Neurofibromatosis, type 1 (NF1). Also called: VON RECKLINGHAUSEN DISEASE; Neurofibromatosis, type I; NEUROFIBROMATOSIS, TYPE I, SOMATIC; Peripheral type neurofibromatosis. Identifiers: Orphanet 636, MedGen C0027831, MONDO:0018975, OMIM 162200. Disease mechanism: loss of function.

Submission:

Labcorp Genetics (formerly Invitae), Labcorp
Classification: Uncertain significance for Neurofibromatosis, type 1. Last evaluated: 2023-12-30. Review status: criteria provided, single submitter. Criteria: Invitae Variant Classification Sherloc (09022015). Collection method: clinical testing. Allele origin: germline.
Comment: This sequence change replaces isoleucine, which is neutral and non-polar, with leucine, which is neutral and non-polar, at codon 581 of the NF1 protein (p.Ile581Leu). This variant is not present in population databases (gnomAD no frequency). This variant has not been reported in the literature in individuals affected with NF1-related conditions. Advanced modeling of protein sequence and biophysical properties (such as structural, functional, and spatial information, amino acid conservation, physicochemical variation, residue mobility, and thermodynamic stability) performed at Invitae indicates that this missense variant is not expected to disrupt NF1 protein function with a negative predictive value of 95%. In summary, the available evidence is currently insufficient to determine the role of this variant in disease. Therefore, it has been classified as a Variant of Uncertain Significance.

NM_001042492.3(NF1):c.1741A>C (p.Ile581Leu)

Gene: NF1 (neurofibromin 1; plus strand). Cytogenetic location: 17q11.2.
Variant type: single nucleotide variant.
Coding change: c.1741A>C on transcript NM_001042492.3 (MANE Select); coding-DNA position 1741, A replaced by C.
Protein change: p.Ile581Leu; replaces isoleucine 581 with leucine.
Molecular consequence: missense variant.
Genome position (GRCh38, 1-based): chr17:31,223,463, A>C. VCF-style: chr17-31223463-A-C. GRCh37 (hg19) VCF-style: chr17-29550481-A-C.
Other names: c.1741A>C, p.Ile581Leu (NM_000267.4); short protein forms I581L.
Identifiers: ClinVar variation 2802326 (VCV002802326.3), dbSNP rs2066962216, ClinGen allele CA399004063.